The following is an entry in ClinVar:

ClinVar aggregate classification (germline): Uncertain significance. Review status: criteria provided, multiple submitters, no conflicts (2 of 4 stars). 2 submissions from 2 submitters: Uncertain significance (2). Last evaluated 2025-09-01.

Conditions:
Inborn genetic diseases. Identifiers: MedGen C0950123, MeSH D030342.
Early-infantile DEE. Also called: Ohtahara syndrome; Early infantile epileptic encephalopathy with suppression bursts; Early infantile epileptic encephalopathy. Identifiers: Orphanet 1934, MedGen C0393706, MONDO:0800491.

Allele frequency attached by ClinVar (database versions not stated): TOPMed below 0.00001; ExAC 0.00001; gnomAD exomes below 0.00001.
gnomAD v4.1: 6 of 1,614,048 alleles (0.00037%); highest among the groups gnomAD compares: Non-Finnish European, 0.000085%; no homozygotes.

Submissions (2):

Ambry Genetics
Classification: Uncertain significance for Inborn genetic diseases. Last evaluated: 2025-09-01. Review status: criteria provided, single submitter. Criteria: Ambry Variant Classification Scheme 2023. Collection method: clinical testing. Allele origin: germline.

Labcorp Genetics (formerly Invitae), Labcorp
Classification: Uncertain significance for Early-infantile DEE. Last evaluated: 2023-08-25. Review status: criteria provided, single submitter. Criteria: Invitae Variant Classification Sherloc (09022015). Collection method: clinical testing. Allele origin: germline.
Comment: In summary, the available evidence is currently insufficient to determine the role of this variant in disease. Therefore, it has been classified as a Variant of Uncertain Significance. This sequence change replaces lysine, which is basic and polar, with arginine, which is basic and polar, at codon 864 of the SPTAN1 protein (p.Lys864Arg). This variant is present in population databases (rs769130912, gnomAD 0.006%). This variant has not been reported in the literature in individuals affected with SPTAN1-related conditions. Advanced modeling of protein sequence and biophysical properties (such as structural, functional, and spatial information, amino acid conservation, physicochemical variation, residue mobility, and thermodynamic stability) has been performed at Invitae for this missense variant, however the output from this modeling did not meet the statistical confidence thresholds required to predict the impact of this variant on SPTAN1 protein function.

NM_001130438.3(SPTAN1):c.2591A>G (p.Lys864Arg)

Gene: SPTAN1 (spectrin alpha, non-erythrocytic 1; plus strand). Cytogenetic location: 9q34.11.
Variant type: single nucleotide variant.
Coding change: c.2591A>G on transcript NM_001130438.3 (MANE Select); coding-DNA position 2591, A replaced by G.
Protein change: p.Lys864Arg; replaces lysine 864 with arginine.
Molecular consequence: missense variant.
Genome position (GRCh38, 1-based): chr9:128,585,778, A>G. VCF-style: chr9-128585778-A-G. GRCh37 (hg19) VCF-style: chr9-131348057-A-G.
Other names: c.2591A>G (NM_001130438.2); c.2591A>G, p.Lys864Arg (NM_001195532.2, NM_001363759.2, NM_001363765.2 and 5 more transcripts); c.2627A>G, p.Lys876Arg (NM_001375312.2, NM_001375318.1); short protein forms K876R, K864R.
Identifiers: ClinVar variation 2855227 (VCV002855227.4), dbSNP rs769130912, ClinGen allele CA5264686.